The following is an entry in ClinVar:

NM_004329.3(BMPR1A):c.1520A>G (p.Asn507Ser)

Gene: BMPR1A (bone morphogenetic protein receptor type 1A; plus strand). Cytogenetic location: 10q23.2.
Variant type: single nucleotide variant.
Coding change: c.1520A>G on transcript NM_004329.3 (MANE Select); coding-DNA position 1520, A replaced by G.
Protein change: p.Asn507Ser; replaces asparagine 507 with serine.
Molecular consequence: missense variant.
Genome position (GRCh38, 1-based): chr10:86,923,640, A>G. VCF-style: chr10-86923640-A-G. GRCh37 (hg19) VCF-style: chr10-88683397-A-G.
Other names: short protein forms N507S.
Identifiers: ClinVar variation 239857 (VCV000239857.35), dbSNP rs750840234, ClinGen allele CA5585745.

ClinVar aggregate classification (germline): Conflicting classifications of pathogenicity. Review status: criteria provided, conflicting classifications (1 of 4 stars). 12 submissions from 12 submitters: Uncertain significance (10); Benign (1). 1 of the submissions does not count toward it. Last evaluated 2026-08-17.

Conditions:
Juvenile polyposis syndrome (JPS). Identifiers: Orphanet 2929, MedGen C0345893, MONDO:0017380, OMIM 174900.
BMPR1A-related disorder. Also called: BMPR1A-related condition.
B lymphoblastic leukemia lymphoma with t(12;21)(p13;q22); TEL-AML1 (ETV6-RUNX1). Also called: B Lymphoblastic Leukemia/Lymphoma with t(12;21)(p13.2;q22.1); ETV6-RUNX1. Identifiers: MedGen C2698314.
Hereditary cancer-predisposing syndrome. Also called: Neoplastic Syndromes, Hereditary; Hereditary neoplastic syndrome; Hereditary Cancer Syndrome; Tumor predisposition. Identifiers: Orphanet 140162, MedGen C0027672, MeSH D009386, MONDO:0015356.
Polyposis syndrome, hereditary mixed, 2. Identifiers: Orphanet 157794, MedGen C1864730, MONDO:0012405, OMIM 610069.

Allele frequency attached by ClinVar (database versions not stated): ExAC 0.00001; gnomAD exomes 0.00001 and 0.00002; gnomAD 0.00006; TOPMed 0.00006.

Submissions (12):

PreventionGenetics, part of Exact Sciences
Classification: Uncertain significance for BMPR1A-related condition. Last evaluated: 2026-08-17. Review status: criteria provided, single submitter. Criteria: ACMG Guidelines, 2015. Collection method: clinical testing. Allele origin: germline.
Comment: The BMPR1A c.1520A>G variant is predicted to result in the amino acid substitution p.Asn507Ser. This variant was reported in individuals with breast cancer (Table S2, Chan et al 2018. PubMed ID: 30093976; Table S3, de Oliveira et al. 2022. PubMed ID: 35534704; Supp. Table Gifoni et al. 2022. PubMed ID: 35957908). This variant is reported in 0.0098% of alleles in individuals of South Asian descent in gnomAD and has conflicting interpretations in ClinVar ranging from uncertain to likely benign (Variation ID: 239857). At this time, the clinical significance of this variant is uncertain due to the absence of conclusive functional and genetic evidence.

Labcorp Genetics (formerly Invitae), Labcorp
Classification: Uncertain significance for Juvenile polyposis syndrome. Last evaluated: 2025-12-17. Review status: criteria provided, single submitter. Criteria: Invitae Variant Classification Sherloc (09022015). Collection method: clinical testing. Allele origin: germline.
Comment: This sequence change replaces asparagine, which is neutral and polar, with serine, which is neutral and polar, at codon 507 of the BMPR1A protein (p.Asn507Ser). This variant is present in population databases (rs750840234, gnomAD 0.01%). This missense change has been observed in individual(s) with breast cancer (PMID: 30093976, 35534704, 35957908). ClinVar contains an entry for this variant (Variation ID: 239857). Invitae Evidence Modeling incorporating data from in vitro experimental studies (internal data) indicates that this missense variant is not expected to disrupt BMPR1A function with a negative predictive value of 95%. RNA analysis performed to evaluate the impact of this missense change on mRNA splicing indicates it does not significantly alter splicing (internal data). In summary, the available evidence is currently insufficient to determine the role of this variant in disease. Therefore, it has been classified as a Variant of Uncertain Significance.

GeneDx
Classification: Uncertain significance. Last evaluated: 2025-03-25. Review status: criteria provided, single submitter. Criteria: GeneDx Variant Classification Process June 2021. Collection method: clinical testing. Allele origin: germline. Affected: yes.
Comment: In silico analysis supports that this missense variant has a deleterious effect on protein structure/function; This variant is associated with the following publications: (PMID: 25189415, 35534704, 30093976, 35957908)

Center for Genomic Medicine, Rigshospitalet, Copenhagen University Hospital
Classification: Uncertain significance. Last evaluated: 2025-03-04. Review status: criteria provided, single submitter. Criteria: ACMG Guidelines, 2015. Collection method: clinical testing. Allele origin: germline.

Women's Health and Genetics/Laboratory Corporation of America, LabCorp
Classification: Uncertain significance. Last evaluated: 2024-07-29. Review status: criteria provided, single submitter. Criteria: LabCorp Variant Classification Summary - May 2015. Collection method: clinical testing. Allele origin: germline.
Comment: Variant summary: BMPR1A c.1520A>G (p.Asn507Ser) results in a conservative amino acid change located in the Protein kinase domain (IPR000719) of the encoded protein sequence. Three of five in-silico tools predict a benign effect of the variant on protein function. The variant allele was found at a frequency of 2e-05 in 251486 control chromosomes. The available data on variant occurrences in the general population are insufficient to allow any conclusion about variant significance. c.1520A>G has been reported in the literature as a VUS in settings of multigene panel testing in at-least one individual affected with Breast cancer reporting no family history (example, Chan_2018). These report(s) do not provide unequivocal conclusions about association of the variant with Juvenile Polyposis Syndrome. To our knowledge, no experimental evidence demonstrating an impact on protein function has been reported. The following publication has been ascertained in the context of this evaluation (PMID: 30093976). ClinVar contains an entry for this variant (Variation ID: 239857). Based on the evidence outlined above, the variant was classified as uncertain significance.

All of Us Research Program, National Institutes of Health
Classification: Uncertain significance for Juvenile polyposis syndrome. Last evaluated: 2023-12-18. Review status: criteria provided, single submitter. Criteria: ACMG Guidelines, 2015. Collection method: clinical testing. Allele origin: germline. Inheritance: Autosomal dominant inheritance. Observed: 6 variant alleles, 6 heterozygotes.
Comment: This missense variant replaces asparagine with serine at codon 507 of the BMPR1A protein. Computational prediction is inconclusive regarding the impact of this variant on protein structure and function (internally defined REVEL score threshold 0.5 < inconclusive < 0.7, PMID: 27666373). Splice site prediction tools suggest that this variant may not impact RNA splicing. To our knowledge, functional studies have not been performed for this variant. This variant has not been reported in individuals affected with hereditary cancer in the literature. This variant has been identified in 6/282896 chromosomes in the general population by the Genome Aggregation Database (gnomAD). The available evidence is insufficient to determine the role of this variant in disease conclusively. Therefore, this variant is classified as a Variant of Uncertain Significance.

This study involves interpretation of variants in research participants for the purpose of population health screening. Participant phenotype was not available at the time of variant classification. Additional details can be found in publication PMID: 35346344, PMCID: PMC8962531

Color Diagnostics, LLC DBA Color Health
Classification: Uncertain significance for Hereditary cancer-predisposing syndrome. Last evaluated: 2023-11-16. Review status: criteria provided, single submitter. Criteria: ACMG Guidelines, 2015. Collection method: clinical testing. Allele origin: germline.
Comment: This missense variant replaces asparagine with serine at codon 507 of the BMPR1A protein. Computational prediction is inconclusive regarding the impact of this variant on protein structure and function (internally defined REVEL score threshold 0.5 < inconclusive < 0.7, PMID: 27666373). To our knowledge, functional studies have not been reported for this variant. This variant has not been reported in individuals affected with BMPR1A-related disorders in the literature. This variant has been identified in 6/282896 chromosomes in the general population by the Genome Aggregation Database (gnomAD). The available evidence is insufficient to determine the role of this variant in disease conclusively. Therefore, this variant is classified as a Variant of Uncertain Significance.

Baylor Genetics
Classification: Uncertain significance for Polyposis syndrome, hereditary mixed, 2. Last evaluated: 2023-10-04. Review status: criteria provided, single submitter. Criteria: ACMG Guidelines, 2015. Collection method: clinical testing. Allele origin: unknown.

Myriad Genetics, Inc.
Classification: Uncertain significance for Juvenile polyposis syndrome. Last evaluated: 2023-03-02. Review status: criteria provided, single submitter. Criteria: Myriad Autosomal Dominant, Autosomal Recessive and X-Linked Classification Criteria (2023). Collection method: clinical testing. Allele origin: unknown.
Comment: This variant is classified as a variant of uncertain significance as there is insufficient evidence to determine its impact on protein function and/or cancer risk.

Ambry Genetics
Classification: Benign for Hereditary cancer-predisposing syndrome. Last evaluated: 2022-06-03. Review status: criteria provided, single submitter. Criteria: Ambry Variant Classification Scheme 2023. Collection method: clinical testing. Allele origin: germline.

St. Jude Molecular Pathology, St. Jude Children's Research Hospital
Classification: Uncertain significance for B Lymphoblastic Leukemia/Lymphoma with t(12;21)(p13.2;q22.1); ETV6-RUNX1. Last evaluated: 2016-10-31. Review status: criteria provided, single submitter. Criteria: ACMG Guidelines, 2015. Collection method: clinical testing. Allele origin: germline. Affected: yes.

Counsyl
Classification: Uncertain significance for Juvenile polyposis syndrome. Last evaluated: 2016-08-29. Review status: no assertion criteria provided. Collection method: clinical testing. Allele origin: unknown. Not counted in ClinVar's aggregate classification.

Literature cited by the submitters: PubMed 30093976 (cited by 4 submitters); PubMed 35534704 (cited by Labcorp Genetics (formerly Invitae), Labcorp); PubMed 35957908 (cited by Labcorp Genetics (formerly Invitae), Labcorp).